The following is an entry in ClinVar:

NM_000037.4(ANK1):c.3552G>A (p.Gln1184=)

Gene: ANK1 (ankyrin 1; minus strand). Cytogenetic location: 8p11.21.
Variant type: single nucleotide variant.
Coding change: c.3552G>A on transcript NM_000037.4 (MANE Select); coding-DNA position 3552, G replaced by A.
Protein change: p.Gln1184=; no amino-acid change (glutamine 1184 retained).
Molecular consequence: synonymous variant.
Genome position (GRCh38, 1-based): chr8:41,693,182, C>T on the plus strand (G>A on the coding strand, the complement: ANK1 is on the minus strand). VCF-style: chr8-41693182-C-T. GRCh37 (hg19) VCF-style: chr8-41550700-C-T.
Other names: c.3675G>A, p.Gln1225= (NM_001142446.2); c.3552G>A, p.Gln1184= (NM_020475.3, NM_020476.3, NM_020477.3).
Identifiers: ClinVar variation 3350837 (VCV003350837.1).

ClinVar aggregate classification (germline): Likely benign (0 of 4 stars; one submission).

Conditions:
ANK1-related disorder. Also called: ANK1-related condition.

gnomAD v4.1: 15 of 1,612,778 alleles (0.00093%); highest among the groups gnomAD compares: African/African-American, 0.0027%; no homozygotes.

Submission:

PreventionGenetics, part of Exact Sciences
Classification: Likely benign for ANK1-related condition. Last evaluated: 2019-07-17. Review status: no assertion criteria provided. Collection method: clinical testing. Allele origin: germline.
Comment: This variant is classified as likely benign based on ACMG/AMP sequence variant interpretation guidelines (Richards et al. 2015 PMID: 25741868, with internal and published modifications).